The following is an entry in ClinVar:

NM_144997.7(FLCN):c.80C>T (p.Ala27Val)

Gene: FLCN (folliculin; minus strand). Cytogenetic location: 17p11.2.
Variant type: single nucleotide variant.
Coding change: c.80C>T on transcript NM_144997.7 (MANE Select); coding-DNA position 80, C replaced by T.
Protein change: p.Ala27Val; replaces alanine 27 with valine.
Molecular consequence: missense variant.
Genome position (GRCh38, 1-based): chr17:17,228,058, G>A on the plus strand (C>T on the coding strand, the complement: FLCN is on the minus strand). VCF-style: chr17-17228058-G-A. GRCh37 (hg19) VCF-style: chr17-17131372-G-A.
Other names: c.80C>T, p.Ala27Val (NM_001353229.2, NM_001353230.2, NM_001353231.2 and 1 more transcripts); short protein forms A27V.
Identifiers: ClinVar variation 1042695 (VCV001042695.6), dbSNP rs757670898, ClinGen allele CA8416523.

ClinVar aggregate classification (germline): Uncertain significance. Review status: criteria provided, multiple submitters, no conflicts (2 of 4 stars). 2 submissions from 2 submitters: Uncertain significance (2). Last evaluated 2025-12-29.

Conditions:
Birt-Hogg-Dube syndrome. Also called: Birt Hogg Dubé syndrome. Identifiers: Orphanet 122, MedGen C0346010, MONDO:0800444.

Allele frequency attached by ClinVar (database versions not stated): gnomAD exomes below 0.00001 and 0.00001; ExAC 0.00002.
gnomAD v4.1: 3 of 1,613,806 alleles (0.00019%); highest among the groups gnomAD compares: Non-Finnish European, 0.00025%; no homozygotes.

Submissions (2):

Center for Genomic Medicine, Rigshospitalet, Copenhagen University Hospital
Classification: Uncertain significance. Last evaluated: 2025-12-29. Review status: criteria provided, single submitter. Criteria: ACMG Guidelines, 2015. Collection method: clinical testing. Allele origin: germline.

Labcorp Genetics (formerly Invitae), Labcorp
Classification: Uncertain significance for Birt-Hogg-Dube syndrome. Last evaluated: 2024-06-29. Review status: criteria provided, single submitter. Criteria: Invitae Variant Classification Sherloc (09022015). Collection method: clinical testing. Allele origin: germline.
Comment: This sequence change replaces alanine, which is neutral and non-polar, with valine, which is neutral and non-polar, at codon 27 of the FLCN protein (p.Ala27Val). This variant is present in population databases (rs757670898, gnomAD 0.002%). This variant has not been reported in the literature in individuals affected with FLCN-related conditions. ClinVar contains an entry for this variant (Variation ID: 1042695). Advanced modeling of protein sequence and biophysical properties (such as structural, functional, and spatial information, amino acid conservation, physicochemical variation, residue mobility, and thermodynamic stability) performed at Invitae indicates that this missense variant is not expected to disrupt FLCN protein function with a negative predictive value of 80%. In summary, the available evidence is currently insufficient to determine the role of this variant in disease. Therefore, it has been classified as a Variant of Uncertain Significance.